The following is an entry in ClinVar:

ClinVar aggregate classification (germline): Uncertain significance (1 of 4 stars; one submission).

Conditions:
DICER1-related tumor predisposition. Also called: DICER1 syndrome; DICER1-related pleuropulmonary blastoma cancer predisposition syndrome. Identifiers: Orphanet 284343, MedGen C3839822, MONDO:0100216.

Submission:

Labcorp Genetics (formerly Invitae), Labcorp
Classification: Uncertain significance for DICER1-related tumor predisposition. Last evaluated: 2023-04-07. Review status: criteria provided, single submitter. Criteria: Invitae Variant Classification Sherloc (09022015). Collection method: clinical testing. Allele origin: unknown.
Comment: In summary, the available evidence is currently insufficient to determine the role of this variant in disease. Therefore, it has been classified as a Variant of Uncertain Significance. Experimental studies and prediction algorithms are not available or were not evaluated, and the functional significance of this variant is currently unknown. This variant has not been reported in the literature in individuals affected with DICER1-related conditions. This variant results in a copy number gain of the genomic region encompassing exon(s) 10-24 of the DICER1 gene. While the exact position of this variant cannot be determined from the data, sub-genic copy number gains are generally in tandem (PMID: 25640679). This variant is predicted to be in-frame, and likely preserves the integrity of the reading frame.

Literature cited by the submitters: PubMed 25640679.

NC_000014.8:g.(?_95560215)_(95583042_?)dup

Gene: DICER1 (dicer 1, ribonuclease III; minus strand). Cytogenetic location: 14q32.13.
Variant type: Duplication.
Identifiers: ClinVar variation 3244046 (VCV003244046.1).